The following is an entry in ClinVar:

ClinVar aggregate classification (germline): Uncertain significance (1 of 4 stars; one submission).

Allele frequency attached by ClinVar (database versions not stated): gnomAD exomes below 0.00001.
gnomAD v4.1: 2 of 1,614,182 alleles (0.00012%); highest among the groups gnomAD compares: Non-Finnish European, 0.00017%; no homozygotes.

Submission:

Labcorp Genetics (formerly Invitae), Labcorp
Classification: Uncertain significance. Last evaluated: 2024-05-07. Review status: criteria provided, single submitter. Criteria: Invitae Variant Classification Sherloc (09022015). Collection method: clinical testing. Allele origin: germline.
Comment: This sequence change replaces serine, which is neutral and polar, with glycine, which is neutral and non-polar, at codon 161 of the PAFAH1B1 protein (p.Ser161Gly). This variant is not present in population databases (gnomAD no frequency). This variant has not been reported in the literature in individuals affected with PAFAH1B1-related conditions. ClinVar contains an entry for this variant (Variation ID: 2048819). An algorithm developed to predict the effect of missense changes on protein structure and function (PolyPhen-2) suggests that this variant is likely to be tolerated. In summary, the available evidence is currently insufficient to determine the role of this variant in disease. Therefore, it has been classified as a Variant of Uncertain Significance.

NM_000430.4(PAFAH1B1):c.481A>G (p.Ser161Gly)

Gene: PAFAH1B1 (platelet activating factor acetylhydrolase 1b regulatory subunit 1; plus strand). Cytogenetic location: 17p13.3.
Variant type: single nucleotide variant.
Coding change: c.481A>G on transcript NM_000430.4 (MANE Select); coding-DNA position 481, A replaced by G.
Protein change: p.Ser161Gly; replaces serine 161 with glycine.
Molecular consequence: missense variant.
Genome position (GRCh38, 1-based): chr17:2,670,244, A>G. VCF-style: chr17-2670244-A-G. GRCh37 (hg19) VCF-style: chr17-2573538-A-G.
Other names: short protein forms S161G.
Identifiers: ClinVar variation 2048819 (VCV002048819.4), dbSNP rs2544096971, ClinGen allele CA397640105.